The following is an entry in ClinVar:

ClinVar aggregate classification (germline): Benign. Review status: criteria provided, multiple submitters, no conflicts (2 of 4 stars). 2 submissions from 2 submitters: Benign (2). Last evaluated 2024-07-15.

Submissions (2):

Unidad de Genómica Garrahan, Hospital de Pediatría Garrahan
Classification: Benign. Last evaluated: 2024-07-15. Review status: criteria provided, single submitter. Criteria: ACMG Guidelines, 2015. Collection method: clinical testing. Allele origin: germline. Affected: no. Observed: 44 variant alleles.
Comment: This variant is classified as Benign based on local population frequency. This variant was detected in 47% of patients studied in a panel designed for Epileptic and Developmental Encephalopathy and Progressive Myoclonus Epilepsy. Number of patients: 44. Only high quality variants are reported.

GeneDx
Classification: Benign. Last evaluated: 2019-10-25. Review status: criteria provided, single submitter. Criteria: GeneDx Variant Classification Process June 2021. Collection method: clinical testing. Allele origin: germline. Affected: yes.

NM_012301.4(MAGI2):c.966-73dup

Gene: MAGI2 (membrane associated guanylate kinase, WW and PDZ domain containing 2; minus strand). Cytogenetic location: 7q21.11.
Variant type: Duplication.
Coding change: c.966-73dup on transcript NM_012301.4 (MANE Select); 73 bases into the intron before coding-DNA position 966, one base duplicated (T; older notation c.966-73dupT).
Molecular consequence: intron variant.
Genome position (GRCh38, 1-based): chr7:78,489,905, A duplicated on the plus strand (T on the coding strand, the reverse complement: MAGI2 is on the minus strand); the first of 9 consecutive A bases (chr7:78,489,905-78,489,913); duplicating any one gives the same sequence. VCF-style (leftmost placement, unchanged base first): chr7-78489904-G-GA. GRCh37 (hg19) VCF-style: chr7-78119221-G-GA.
Other names: c.966-73dup (NM_001301128.2).
Identifiers: ClinVar variation 1222101 (VCV001222101.5), dbSNP rs3086374, ClinGen allele CA161246154.